The following is an entry in ClinVar:

ClinVar aggregate classification (germline): Uncertain significance (1 of 4 stars; one submission).

Conditions:
Familial temporal lobe epilepsy 7. Identifiers: Orphanet 101046, MedGen C4225327, MONDO:0014639, OMIM 616436.
Norman-Roberts syndrome (LIS2). Also called: Lissencephaly 2 (Norman-Roberts type). Identifiers: Orphanet 89844, MedGen C0796089, MONDO:0009760, OMIM 257320.

Allele frequency attached by ClinVar (database versions not stated): gnomAD 0.00001; TOPMed 0.00001; ExAC 0.00002; gnomAD exomes 0.00002.
gnomAD v4.1: 31 of 1,613,348 alleles (0.0019%); highest among the groups gnomAD compares: East Asian, 0.0067%; no homozygotes.

Submission:

Labcorp Genetics (formerly Invitae), Labcorp
Classification: Uncertain significance for Familial temporal lobe epilepsy 7; Norman-Roberts syndrome. Last evaluated: 2025-03-25. Review status: criteria provided, single submitter. Criteria: Invitae Variant Classification Sherloc (09022015). Collection method: clinical testing. Allele origin: germline.
Comment: This sequence change replaces proline, which is neutral and non-polar, with leucine, which is neutral and non-polar, at codon 1340 of the RELN protein (p.Pro1340Leu). This variant is present in population databases (rs754927978, gnomAD 0.004%). This missense change has been observed in individual(s) with neurodevelopmental disorders (PMID: 30564305, 33004838). ClinVar contains an entry for this variant (Variation ID: 642690). Invitae Evidence Modeling of protein sequence and biophysical properties (such as structural, functional, and spatial information, amino acid conservation, physicochemical variation, residue mobility, and thermodynamic stability) indicates that this missense variant is not expected to disrupt RELN protein function with a negative predictive value of 80%. In summary, the available evidence is currently insufficient to determine the role of this variant in disease. Therefore, it has been classified as a Variant of Uncertain Significance.

Literature cited by the submitters: PubMed 30564305; PubMed 33004838.

NM_005045.4(RELN):c.4019C>T (p.Pro1340Leu)

Gene: RELN (reelin; minus strand). Cytogenetic location: 7q22.1.
Variant type: single nucleotide variant.
Coding change: c.4019C>T on transcript NM_005045.4 (MANE Select); coding-DNA position 4019, C replaced by T.
Protein change: p.Pro1340Leu; replaces proline 1340 with leucine.
Molecular consequence: missense variant.
Genome position (GRCh38, 1-based): chr7:103,589,722, G>A on the plus strand (C>T on the coding strand, the complement: RELN is on the minus strand). VCF-style: chr7-103589722-G-A. GRCh37 (hg19) VCF-style: chr7-103230169-G-A.
Other names: c.4019C>T, p.Pro1340Leu (NM_173054.3); short protein forms P1340L.
Identifiers: ClinVar variation 642690 (VCV000642690.4), dbSNP rs754927978, ClinGen allele CA4421620.
Genomic context (GRCh38, chr7:103,589,722, plus strand): 5'-TACATGGTGGGCTCACTTAGTTCTCTGGAGTTTCCTTCGCATCCTTTGCCTGCAGAAGCC[G>A]GGTAACAGCCTTCTTTCACCAGAAACCAGGACATACCAGCATCATGAGAGTACTGAAGAA-3'
Protein context (NP_005036.2, residues 1330-1350): SWFLVKEGCY[Pro1340Leu]ASAGKGCEGN